The following is an entry in ClinVar:

ClinVar aggregate classification (germline): Uncertain significance (1 of 4 stars; one submission).

Conditions:
Hereditary cancer-predisposing syndrome. Also called: Hereditary neoplastic syndrome; Tumor predisposition; Hereditary Cancer Syndrome; Neoplastic Syndromes, Hereditary. Identifiers: Orphanet 140162, MedGen C0027672, MeSH D009386, MONDO:0015356.

Submission:

Ambry Genetics
Classification: Uncertain significance for Hereditary cancer-predisposing syndrome. Last evaluated: 2023-08-01. Review status: criteria provided, single submitter. Criteria: Ambry Variant Classification Scheme 2023. Collection method: clinical testing. Allele origin: germline.
Comment: The p.P122A variant (also known as c.364C>G), located in coding exon 1 of the CDKN1B gene, results from a C to G substitution at nucleotide position 364. The proline at codon 122 is replaced by alanine, an amino acid with highly similar properties. This amino acid position is conserved. In addition, this alteration is predicted to be tolerated by in silico analysis. Since supporting evidence is limited at this time, the clinical significance of this alteration remains unclear.

NM_004064.5(CDKN1B):c.364C>G (p.Pro122Ala)

Gene: CDKN1B (cyclin dependent kinase inhibitor 1B; plus strand). Cytogenetic location: 12p13.1.
Variant type: single nucleotide variant.
Coding change: c.364C>G on transcript NM_004064.5 (MANE Select); coding-DNA position 364, C replaced by G.
Protein change: p.Pro122Ala; replaces proline 122 with alanine.
Molecular consequence: missense variant.
Genome position (GRCh38, 1-based): chr12:12,718,203, C>G. VCF-style: chr12-12718203-C-G. GRCh37 (hg19) VCF-style: chr12-12871137-C-G.
Other names: short protein forms P122A.
Identifiers: ClinVar variation 2585895 (VCV002585895.2), dbSNP rs747217677, ClinGen allele CA383970424.
Genomic context (GRCh38, chr12:12,718,203, plus strand): 5'-CCGGCGCAGGAGAGCCAGGATGTCAGCGGGAGCCGCCCGGCGGCGCCTTTAATTGGGGCT[C>G]CGGCTAACTCTGAGGACACGCATTTGGTGGACCCAAAGACTGATCCGTCGGACAGCCAGA-3'
Protein context (NP_004055.1, residues 112-132): SRPAAPLIGA[Pro122Ala]ANSEDTHLVD